The following is an entry in ClinVar:

NM_001793.6(CDH3):c.578C>A (p.Ala193Asp)

Gene: CDH3 (cadherin 3; plus strand). Cytogenetic location: 16q22.1.
Variant type: single nucleotide variant.
Coding change: c.578C>A on transcript NM_001793.6 (MANE Select); coding-DNA position 578, C replaced by A.
Protein change: p.Ala193Asp; replaces alanine 193 with aspartic acid.
Molecular consequence: missense variant.
Genome position (GRCh38, 1-based): chr16:68,678,793, C>A. VCF-style: chr16-68678793-C-A. GRCh37 (hg19) VCF-style: chr16-68712696-C-A.
Other names: c.578C>A, p.Ala193Asp (NM_001317195.3); c.413C>A, p.Ala138Asp (NM_001317196.2); short protein forms A193D, A138D.
Identifiers: ClinVar variation 1504605 (VCV001504605.6), dbSNP rs756048455, ClinGen allele CA396449399.

ClinVar aggregate classification (germline): Uncertain significance (1 of 4 stars; one submission).

Submission:

Labcorp Genetics (formerly Invitae), Labcorp
Classification: Uncertain significance. Last evaluated: 2023-04-05. Review status: criteria provided, single submitter. Criteria: Invitae Variant Classification Sherloc (09022015). Collection method: clinical testing. Allele origin: germline.
Comment: This sequence change replaces alanine, which is neutral and non-polar, with aspartic acid, which is acidic and polar, at codon 193 of the CDH3 protein (p.Ala193Asp). This variant is present in population databases (no rsID available, gnomAD 0.009%). This variant has not been reported in the literature in individuals affected with CDH3-related conditions. ClinVar contains an entry for this variant (Variation ID: 1504605). Advanced modeling of protein sequence and biophysical properties (such as structural, functional, and spatial information, amino acid conservation, physicochemical variation, residue mobility, and thermodynamic stability) performed at Invitae indicates that this missense variant is not expected to disrupt CDH3 protein function. In summary, the available evidence is currently insufficient to determine the role of this variant in disease. Therefore, it has been classified as a Variant of Uncertain Significance.